The following is an entry in ClinVar:

NM_177972.3(TUB):c.773C>G (p.Pro258Arg)

Genes: RIC3 (RIC3 acetylcholine receptor chaperone; minus strand), TUB (TUB bipartite transcription factor; plus strand). Cytogenetic location: 11p15.4.
Variant type: single nucleotide variant.
Coding change: c.773C>G on transcript NM_177972.3 (MANE Select); coding-DNA position 773, C replaced by G.
Protein change: p.Pro258Arg; replaces proline 258 with arginine.
Molecular consequence: missense variant.
Genome position (GRCh38, 1-based): chr11:8,097,313, C>G. VCF-style: chr11-8097313-C-G. GRCh37 (hg19) VCF-style: chr11-8118860-C-G.
Other names: c.938C>G, p.Pro313Arg (NM_003320.5); c.938C>G (NM_003320.4); short protein forms P313R, P258R.
Identifiers: ClinVar variation 1362923 (VCV001362923.8), dbSNP rs565455543, ClinGen allele CA5871229.

ClinVar aggregate classification (germline): Uncertain significance. Review status: criteria provided, multiple submitters, no conflicts (2 of 4 stars). 2 submissions from 2 submitters: Uncertain significance (2). Last evaluated 2026-01-13.

Conditions:
TUB-related disorder. Also called: TUB-related condition.

gnomAD v4.1: 17 of 1,614,138 alleles (0.0011%); highest among the groups gnomAD compares: Non-Finnish European, 0.0014%; no homozygotes.

Submissions (2):

Labcorp Genetics (formerly Invitae), Labcorp
Classification: Uncertain significance. Last evaluated: 2026-01-13. Review status: criteria provided, single submitter. Criteria: Invitae Variant Classification Sherloc (09022015). Collection method: clinical testing. Allele origin: germline.
Comment: This sequence change replaces proline, which is neutral and non-polar, with arginine, which is basic and polar, at codon 313 of the TUB protein (p.Pro313Arg). This variant is present in population databases (rs565455543, gnomAD 0.003%). This variant has not been reported in the literature in individuals affected with TUB-related conditions. ClinVar contains an entry for this variant (Variation ID: 1362923). An algorithm developed to predict the effect of missense changes on protein structure and function (PolyPhen-2) suggests that this variant is likely to be disruptive. In summary, the available evidence is currently insufficient to determine the role of this variant in disease. Therefore, it has been classified as a Variant of Uncertain Significance.

PreventionGenetics, part of Exact Sciences
Classification: Uncertain significance for TUB-related condition. Last evaluated: 2022-09-28. Review status: criteria provided, single submitter. Criteria: ACMG Guidelines, 2015. Collection method: clinical testing. Allele origin: germline.
Comment: The TUB c.938C>G variant is predicted to result in the amino acid substitution p.Pro313Arg. To our knowledge, this variant has not been reported in the literature. This variant is reported in 0.0035% of alleles in individuals of European (Non-Finnish) descent in gnomAD. At this time, the clinical significance of this variant is uncertain due to the absence of conclusive functional and genetic evidence.